The following is an entry in ClinVar:

NM_006361.6(HOXB13):c.367del (p.Arg123fs)

Gene: HOXB13 (homeobox B13; minus strand). Cytogenetic location: 17q21.32.
Variant type: Deletion.
Coding change: c.367del on transcript NM_006361.6 (MANE Select); coding-DNA position 367, one base deleted (C; older notation c.367delC).
Protein change: p.Arg123fs; shifts the reading frame from arginine 123.
Molecular consequence: frameshift variant.
Genome position (GRCh38, 1-based): chr17:48,728,227, G deleted on the plus strand (C on the coding strand, the reverse complement: HOXB13 is on the minus strand); the first of 2 consecutive G bases (chr17:48,728,227-48,728,228); deleting either gives the same sequence. VCF-style (leftmost placement, unchanged base first): chr17-48728226-CG-C. GRCh37 (hg19) VCF-style: chr17-46805588-CG-C.
Other names: c.367delC (NM_006361.5); short protein forms R123fs.
Identifiers: ClinVar variation 690729 (VCV000690729.9), dbSNP rs1597934329, ClinGen allele CA915950423.

ClinVar aggregate classification (germline): Uncertain significance. Review status: criteria provided, multiple submitters, no conflicts (2 of 4 stars). 3 submissions from 3 submitters: Uncertain significance (2). 1 of the submissions does not count toward it. Last evaluated 2026-08-17.

Conditions:
Prostate cancer, hereditary, 1 (HPC1). Identifiers: Orphanet 1331, MedGen C4722327, MONDO:0011098, OMIM 601518.
Hereditary cancer-predisposing syndrome. Also called: Tumor predisposition; Hereditary Cancer Syndrome; Neoplastic Syndromes, Hereditary; Hereditary neoplastic syndrome. Identifiers: Orphanet 140162, MedGen C0027672, MeSH D009386, MONDO:0015356.

Submissions (3):

Ambry Genetics
Classification: Uncertain significance for Hereditary cancer-predisposing syndrome. Last evaluated: 2026-08-17. Review status: criteria provided, single submitter. Criteria: Ambry Variant Classification Scheme 2023. Collection method: clinical testing. Allele origin: germline.
Comment: The c.367delC variant, located in coding exon 1 of the HOXB13 gene, results from a deletion of one nucleotide at nucleotide position 367, causing a translational frameshift with a predicted alternate stop codon (p.R123Afs*156). This variant occurs at the 3' terminus of the gene and is not expected to trigger nonsense-mediated mRNA decay. Based on the available evidence, the clinical significance of this variant remains unclear.

Labcorp Genetics (formerly Invitae), Labcorp
Classification: Uncertain significance. Last evaluated: 2022-07-23. Review status: criteria provided, single submitter. Criteria: Invitae Variant Classification Sherloc (09022015). Collection method: clinical testing. Allele origin: germline.
Comment: This variant is not present in population databases (gnomAD no frequency). This sequence change creates a premature translational stop signal (p.Arg123Alafs*156) in the HOXB13 gene. While this is not anticipated to result in nonsense mediated decay, it is expected to disrupt the last 162 amino acid(s) of the HOXB13 protein. This variant has not been reported in the literature in individuals affected with HOXB13-related conditions. In summary, the available evidence is currently insufficient to determine the role of this variant in disease. Therefore, it has been classified as a Variant of Uncertain Significance. Experimental studies and prediction algorithms are not available or were not evaluated, and the functional significance of this variant is currently unknown. ClinVar contains an entry for this variant (Variation ID: 690729).

Laboratory of Virology, Microbiology,  Quality and Medical Biotechnologies, Faculty of Sciences and Techniques - Mohammedia, Hassan II University of Casablanca
Classification: Uncertain significance for Prostate cancer, hereditary, 1. Review status: no assertion criteria provided. Collection method: clinical testing. Allele origin: somatic. Affected: yes. Not counted in ClinVar's aggregate classification.